The following is an entry in ClinVar:

NM_001271.4(CHD2):c.407G>A (p.Ser136Asn)

Gene: CHD2 (chromodomain helicase DNA binding protein 2; plus strand). Cytogenetic location: 15q26.1.
Variant type: single nucleotide variant.
Coding change: c.407G>A on transcript NM_001271.4 (MANE Select); coding-DNA position 407, G replaced by A.
Protein change: p.Ser136Asn; replaces serine 136 with asparagine.
Molecular consequence: missense variant.
Genome position (GRCh38, 1-based): chr15:92,929,055, G>A. VCF-style: chr15-92929055-G-A. GRCh37 (hg19) VCF-style: chr15-93472285-G-A.
Other names: c.407G>A, p.Ser136Asn (NM_001042572.3); short protein forms S136N.
Identifiers: ClinVar variation 3705344 (VCV003705344.2).

ClinVar aggregate classification (germline): Uncertain significance (1 of 4 stars; one submission).

Conditions:
Developmental and epileptic encephalopathy 94 (DEE94). Also called: CHD2-Related Neurodevelopmental Disorders; Epileptic encephalopathy, childhood-onset. Identifiers: Orphanet 1942, Orphanet 2382, MedGen C3809278, MONDO:0014150, OMIM 615369.

Submission:

Labcorp Genetics (formerly Invitae), Labcorp
Classification: Uncertain significance for Developmental and epileptic encephalopathy 94. Last evaluated: 2024-03-07. Review status: criteria provided, single submitter. Criteria: Invitae Variant Classification Sherloc (09022015). Collection method: clinical testing. Allele origin: germline.
Comment: This sequence change replaces serine, which is neutral and polar, with asparagine, which is neutral and polar, at codon 136 of the CHD2 protein (p.Ser136Asn). This variant is not present in population databases (gnomAD no frequency). This variant has not been reported in the literature in individuals affected with CHD2-related conditions. Advanced modeling of protein sequence and biophysical properties (such as structural, functional, and spatial information, amino acid conservation, physicochemical variation, residue mobility, and thermodynamic stability) performed at Invitae indicates that this missense variant is not expected to disrupt CHD2 protein function with a negative predictive value of 95%. In summary, the available evidence is currently insufficient to determine the role of this variant in disease. Therefore, it has been classified as a Variant of Uncertain Significance.